The following is an entry in ClinVar:

ClinVar aggregate classification (germline): Benign/Likely benign. Review status: criteria provided, multiple submitters, no conflicts (2 of 4 stars). 3 submissions from 3 submitters: Benign (1); Likely benign (1). 1 of the submissions does not count toward it. Last evaluated 2024-07-20.

Conditions:
Intellectual developmental disorder with dysmorphic facies and behavioral abnormalities. Identifiers: MedGen C4748135, MONDO:0060760, OMIM 618089.
FBXO11-related disorder. Also called: FBXO11-related condition.

Allele frequency attached by ClinVar (database versions not stated): gnomAD 0.00001; TOPMed 0.00003; gnomAD exomes 0.00015; 1000 Genomes Project 30x 0.00016; ExAC 0.00018; 1000 Genomes Project 0.00020.
gnomAD v4.1: 86 of 1,552,850 alleles (0.0055%); highest among the groups gnomAD compares: South Asian, 0.087%; 2 homozygotes.

Submissions (3):

Labcorp Genetics (formerly Invitae), Labcorp
Classification: Benign. Last evaluated: 2024-07-20. Review status: criteria provided, single submitter. Criteria: Invitae Variant Classification Sherloc (09022015). Collection method: clinical testing. Allele origin: germline.

Fulgent Genetics
Classification: Likely benign for Intellectual developmental disorder with dysmorphic facies and behavioral abnormalities. Last evaluated: 2022-04-12. Review status: criteria provided, single submitter. Criteria: ACMG Guidelines, 2015. Collection method: clinical testing. Allele origin: unknown.

PreventionGenetics, part of Exact Sciences
Classification: Likely benign for FBXO11-related condition. Last evaluated: 2019-11-16. Review status: no assertion criteria provided. Collection method: clinical testing. Allele origin: germline. Not counted in ClinVar's aggregate classification.
Comment: This variant is classified as likely benign based on ACMG/AMP sequence variant interpretation guidelines (Richards et al. 2015 PMID: 25741868, with internal and published modifications).

NM_001190274.2(FBXO11):c.1617-4A>G

Gene: FBXO11 (F-box protein 11; minus strand). Cytogenetic location: 2p16.3.
Variant type: single nucleotide variant.
Coding change: c.1617-4A>G on transcript NM_001190274.2 (MANE Select); 4 bases into the intron before coding-DNA position 1617, A replaced by G.
Molecular consequence: intron variant.
Genome position (GRCh38, 1-based): chr2:47,822,307, T>C on the plus strand (A>G on the coding strand, the complement: FBXO11 is on the minus strand). VCF-style: chr2-47822307-T-C. GRCh37 (hg19) VCF-style: chr2-48049446-T-C.
Other names: c.1617-4A>G (NM_001190274.1); c.1365-4A>G (NM_001374325.1, NM_025133.4).
Identifiers: ClinVar variation 1598717 (VCV001598717.11), dbSNP rs570549776, ClinGen allele CA1649790.